The following is an entry in ClinVar:

NM_001164508.2(NEB):c.10234G>T (p.Glu3412Ter)

Gene: NEB (nebulin; minus strand). Cytogenetic location: 2q23.3.
Variant type: single nucleotide variant.
Coding change: c.10234G>T on transcript NM_001164508.2 (MANE Select); coding-DNA position 10234, G replaced by T.
Protein change: p.Glu3412Ter; replaces glutamic acid 3412 with a stop codon.
Molecular consequence: nonsense.
Genome position (GRCh38, 1-based): chr2:151,627,115, C>A on the plus strand (G>T on the coding strand, the complement: NEB is on the minus strand). VCF-style: chr2-151627115-C-A. GRCh37 (hg19) VCF-style: chr2-152483629-C-A.
Other names: c.9505G>T, p.Glu3169Ter (NM_004543.5); c.10234G>T, p.Glu3412Ter (NM_001164507.2, NM_001271208.2); short protein forms E3169*, E3412*.
Identifiers: ClinVar variation 1726402 (VCV001726402.2), dbSNP rs2552236285, ClinGen allele CA348792548.

ClinVar aggregate classification (germline): Likely pathogenic (1 of 4 stars; one submission).

Conditions:
Nemaline myopathy 2 (NEM2). Also called: Nemaline myopathy 2, autosomal recessive. Identifiers: MedGen C1850569, MONDO:0009725, OMIM 256030.

Submission:

Myriad Genetics, Inc.
Classification: Likely pathogenic for Nemaline myopathy 2. Last evaluated: 2021-12-17. Review status: criteria provided, single submitter. Criteria: Myriad Women's Health Autosomal Recessive and X-Linked Classification Criteria (2021). Collection method: clinical testing. Allele origin: unknown.
Comment: NM_001271208.1(NEB):c.10234G>T(E3412*) is expected to be pathogenic in the context of NEB-related nemaline myopathy. This variant is predicted to lead to an abnormal or absent protein product due to the creation of a premature termination codon in NEB, a gene where loss-of-function variants are known to be pathogenic. Please note: this variant was assessed in the context of healthy population screening.